The following is an entry in ClinVar:

NM_005823.6(MSLN):c.1700G>A (p.Arg567Gln)

Gene: MSLN (mesothelin; plus strand). Cytogenetic location: 16p13.3.
Variant type: single nucleotide variant.
Coding change: c.1700G>A on transcript NM_005823.6 (MANE Select); coding-DNA position 1700, G replaced by A.
Protein change: p.Arg567Gln; replaces arginine 567 with glutamine.
Molecular consequence: missense variant.
Genome position (GRCh38, 1-based): chr16:768,482, G>A. VCF-style: chr16-768482-G-A. GRCh37 (hg19) VCF-style: chr16-818482-G-A.
Other names: c.1700G>A, p.Arg567Gln (NM_001177355.3); c.1724G>A, p.Arg575Gln (NM_013404.4); short protein forms R567Q, R575Q.
Identifiers: ClinVar variation 5040796 (VCV005040796.1).
Genomic context (GRCh38, chr16:768,482, plus strand): 5'-TGGAGGGCCTGAAGGCGGAGGAGCGGCACCGCCCGGTGCGGGACTGGATCCTACGGCAGC[G>A]GCAGGACGACCTGGACACGCTGGGGCTGGGGCTACAGGGCGGCATCCCCAACGGCTACCT-3'
Protein context (NP_005814.2, residues 557-577): RPVRDWILRQ[Arg567Gln]QDDLDTLGLG

ClinVar aggregate classification (germline): Likely benign (1 of 4 stars; one submission).

gnomAD v4.1: 5,897 of 1,574,344 alleles (0.37%); highest among the groups gnomAD compares: Non-Finnish European, 0.43%; 21 homozygotes.

Submission:

CeGaT Center for Human Genetics Tuebingen
Classification: Likely benign. Last evaluated: 2026-09-01. Review status: criteria provided, single submitter. Criteria: CeGaT Center For Human Genetics Tuebingen Variant Classification Criteria Version 2. Collection method: clinical testing. Allele origin: germline. Affected: yes. Observed: 1 variant allele.
Comment: MSLN: BP4, BS2